The following is an entry in ClinVar:

NM_000089.4(COL1A2):c.1459G>C (p.Gly487Arg)

Gene: COL1A2 (collagen type I alpha 2 chain; plus strand). Cytogenetic location: 7q21.3.
Variant type: single nucleotide variant.
Coding change: c.1459G>C on transcript NM_000089.4 (MANE Select); coding-DNA position 1459, G replaced by C.
Protein change: p.Gly487Arg; replaces glycine 487 with arginine.
Molecular consequence: missense variant.
Genome position (GRCh38, 1-based): chr7:94,412,638, G>C. VCF-style: chr7-94412638-G-C. GRCh37 (hg19) VCF-style: chr7-94041950-G-C.
Other names: short protein forms G487R.
Identifiers: ClinVar variation 3758891 (VCV003758891.3).

ClinVar aggregate classification (germline): Pathogenic/Likely pathogenic. Review status: criteria provided, multiple submitters, no conflicts (2 of 4 stars). 2 submissions from 2 submitters: Pathogenic (1); Likely pathogenic (1). Last evaluated 2024-09-22.

Conditions:
Osteogenesis imperfecta type III (OI3). Also called: Osteogenesis imperfecta type 3; OI type 3; Osteogenesis imperfecta, progressively deforming with normal sclerae; OI type III; Progressively Deforming Osteogenesis Imperfecta. Identifiers: Orphanet 216812, Orphanet 666, MedGen C0268362, MONDO:0009804, OMIM 259420.
Osteogenesis imperfecta, perinatal lethal (OI2). Also called: OSTEOGENESIS IMPERFECTA, TYPE II; OI, TYPE II; OSTEOGENESIS IMPERFECTA CONGENITA; VROLIK TYPE OF OSTEOGENESIS IMPERFECTA; Osteogenesis imperfecta type 2; Osteogenesis imperfecta, dominant perinatal lethal. Identifiers: Orphanet 216804, MedGen C0268358, MONDO:0008147, OMIM 166210.
Osteogenesis imperfecta with normal sclerae, dominant form (OI4). Also called: OSTEOGENESIS IMPERFECTA, TYPE IV, WITH DENTINOGENESIS IMPERFECTA; OSTEOGENESIS IMPERFECTA WITH NORMAL SCLERAE; Osteogenesis imperfecta type 4; Osteogenesis Imperfecta Type IV; Common Variable Osteogenesis Imperfecta with Normal Sclerae. Identifiers: Orphanet 216820, Orphanet 666, MedGen C0268363, MONDO:0008148, OMIM 166220.
Ehlers-Danlos syndrome, classic type, 1 (EDSCL1). Also called: EHLERS-DANLOS SYNDROME, GRAVIS TYPE; EHLERS-DANLOS SYNDROME, SEVERE CLASSIC TYPE; Ehlers-Danlos syndrome, type 1; Ehlers-Danlos Syndrome, Classic Type, COL5A1-Related; EDS I. Identifiers: MedGen C0268335, MONDO:0019567, OMIM 130000.
Osteogenesis imperfecta type I (OI1). Also called: OI, TYPE I; OSTEOGENESIS IMPERFECTA TARDA; OSTEOGENESIS IMPERFECTA WITH BLUE SCLERAE; Osteogenesis imperfecta type 1; Lobstein's Disease; Lobstein disease. Identifiers: Orphanet 216796, Orphanet 666, MedGen C0023931, MONDO:0008146, OMIM 166200. Disease mechanism: loss of function.

Submissions (2):

Labcorp Genetics (formerly Invitae), Labcorp
Classification: Pathogenic for Osteogenesis imperfecta type I; Ehlers-Danlos syndrome, classic type, 1. Last evaluated: 2024-09-22. Review status: criteria provided, single submitter. Criteria: Invitae Variant Classification Sherloc (09022015). Collection method: clinical testing. Allele origin: germline.
Comment: This sequence change replaces glycine, which is neutral and non-polar, with arginine, which is basic and polar, at codon 487 of the COL1A2 protein (p.Gly487Arg). This variant is not present in population databases (gnomAD no frequency). This missense change has been observed in individuals with osteogenesis imperfecta (PMID: 24501682; internal data). Invitae Evidence Modeling of protein sequence and biophysical properties (such as structural, functional, and spatial information, amino acid conservation, physicochemical variation, residue mobility, and thermodynamic stability) indicates that this missense variant is expected to disrupt COL1A2 protein function with a positive predictive value of 95%. This variant disrupts the triple helix domain of COL1A2. Glycine residues within the Gly-Xaa-Yaa repeats of the triple helix domain are required for the structure and stability of fibrillar collagens (PMID: 7695699, 8218237, 19344236). In COL1A2, variants affecting these glycine residues are significantly enriched in individuals with disease (PMID: 9016532, 17078022) compared to the general population (ExAC). For these reasons, this variant has been classified as Pathogenic.

3billion
Classification: Likely pathogenic for Osteogenesis imperfecta, perinatal lethal; Osteogenesis imperfecta type III; Osteogenesis imperfecta with normal sclerae, dominant form. Last evaluated: 2024-02-19. Review status: criteria provided, single submitter. Criteria: ACMG Guidelines, 2015. Collection method: clinical testing. Allele origin: germline. Affected: yes.
Comment: The variant is not observed in the gnomAD v2.1.1 dataset. Predicted Consequence/Location: Missense changes are a common disease-causing mechanism. In silico tool predictions suggest damaging effect of the variant on gene or gene product [REVEL: 1.00 (>=0.6, sensitivity 0.68 and specificity 0.92); 3Cnet: 1.00 (>=0.6, sensitivity 0.72 and precision 0.9)]. Different nucleotide change resulting in same amino acid change has been previously reported to be associated with COL1A2 related disorder(ClinVar ID: VCV000947920 /PMID: 24501682).A different missense change at the same codon (p.Gly487Glu) has been reported to be associated with COL1A2 related disorder (PMID: 30886339). Therefore, this variant is classified as Likely pathogenic according to the recommendation of ACMG/AMP guideline.

Literature cited by the submitters: PubMed 24501682 (cited by Labcorp Genetics (formerly Invitae), Labcorp and 3billion); PubMed 7695699 (cited by Labcorp Genetics (formerly Invitae), Labcorp); PubMed 8218237 (cited by Labcorp Genetics (formerly Invitae), Labcorp); PubMed 19344236 (cited by Labcorp Genetics (formerly Invitae), Labcorp); PubMed 9016532 (cited by Labcorp Genetics (formerly Invitae), Labcorp); PubMed 17078022 (cited by Labcorp Genetics (formerly Invitae), Labcorp); PubMed 30886339 (cited by 3billion).